The following is an entry in ClinVar:

NM_024675.4(PALB2):c.-132G>C

Gene: PALB2 (partner and localizer of BRCA2; minus strand). Cytogenetic location: 16p12.2.
Variant type: single nucleotide variant.
Coding change: c.-132G>C on transcript NM_024675.4 (MANE Select); 132 bases upstream of the start codon, G replaced by C.
Molecular consequence: 5 prime UTR variant.
Genome position (GRCh38, 1-based): chr16:23,641,289, C>G on the plus strand (G>C on the coding strand, the complement: PALB2 is on the minus strand). VCF-style: chr16-23641289-C-G. GRCh37 (hg19) VCF-style: chr16-23652610-C-G.
Identifiers: ClinVar variation 1691940 (VCV001691940.1), dbSNP rs1434219502, ClinGen allele CA621336795.
Genomic context (GRCh38, chr16:23,641,289, plus strand): 5'-CCTGGGCCGGGGAGGCGCCCCAGGAAGGAATGGGGAGCCCGGGATCGCACCCTCAGTGCG[C>G]GATCAGCTGACCCACGCGGGCCAAGCGCGCCCTAAACTCCGGCCAATTAAATCCACCATT-3'

ClinVar aggregate classification (germline): Uncertain significance (1 of 4 stars; one submission).

Conditions:
Hereditary cancer-predisposing syndrome. Also called: Hereditary Cancer Syndrome; Hereditary neoplastic syndrome; Neoplastic Syndromes, Hereditary; Tumor predisposition. Identifiers: Orphanet 140162, MedGen C0027672, MeSH D009386, MONDO:0015356.

Allele frequency attached by ClinVar (database versions not stated): gnomAD exomes below 0.00001; TOPMed below 0.00001; gnomAD 0.00001.
gnomAD v4.1: 3 of 1,242,286 alleles (0.00024%); highest among the groups gnomAD compares: Non-Finnish European, 0.00023%; no homozygotes.

Submission:

Sema4
Classification: Uncertain significance for Hereditary cancer-predisposing syndrome. Last evaluated: 2021-08-24. Review status: criteria provided, single submitter. Criteria: Sema4 Curation Guidelines. Collection method: curation. Allele origin: germline.
Comment: The PALB2 c.-132G>C variant has not been reported in the literature to our knowledge. It was observed in 1/15426 chromosomes of the Non-Finnish European subpopulation in the large and broad cohorts of the Genome Aggregation Database (PMID: 32461654). The variant has not been reported in ClinVar. The evidence is insufficient to meet ACMG/AMP criteria for classifying the variant as benign or pathogenic. Thus, the clinical significance of this variant is currently uncertain.